The following is an entry in ClinVar:

ClinVar aggregate classification (germline): Likely benign. Review status: criteria provided, multiple submitters, no conflicts (2 of 4 stars). 2 submissions from 2 submitters: Likely benign (2). Last evaluated 2026-03-01.

Conditions:
Autosomal dominant limb-girdle muscular dystrophy type 1D (DNAJB6) (LGMDD1). Also called: Autosomal dominant limb-girdle muscular dystrophy type 1D; MUSCULAR DYSTROPHY, LIMB-GIRDLE, TYPE 1D; Muscular dystrophy, limb-girdle, autosomal dominant 1; MUSCULAR DYSTROPHY, AUTOSOMAL DOMINANT, WITH RIMMED VACUOLES. Identifiers: Orphanet 34516, MedGen C4721885, MONDO:0021018, OMIM 603511.

Allele frequency attached by ClinVar (database versions not stated): gnomAD 0.00002; gnomAD exomes 0.00002 and 0.00005; TOPMed 0.00003; ExAC 0.00006.
gnomAD v4.1: 28 of 1,599,010 alleles (0.0018%); highest among the groups gnomAD compares: Admixed American, 0.015%; no homozygotes.

Submissions (2):

CeGaT Center for Human Genetics Tuebingen
Classification: Likely benign. Last evaluated: 2026-03-01. Review status: criteria provided, single submitter. Criteria: CeGaT Center For Human Genetics Tuebingen Variant Classification Criteria Version 2. Collection method: clinical testing. Allele origin: germline. Affected: yes. Observed: 1 variant allele.
Comment: DNAJB6: BP4, BP7

Labcorp Genetics (formerly Invitae), Labcorp
Classification: Likely benign for Autosomal dominant limb-girdle muscular dystrophy type 1D (DNAJB6). Last evaluated: 2025-04-08. Review status: criteria provided, single submitter. Criteria: Invitae Variant Classification Sherloc (09022015). Collection method: clinical testing. Allele origin: germline.

NM_058246.4(DNAJB6):c.69T>C (p.Tyr23=)

Gene: DNAJB6 (DnaJ heat shock protein family (Hsp40) member B6; plus strand). Cytogenetic location: 7q36.3.
Variant type: single nucleotide variant.
Coding change: c.69T>C on transcript NM_058246.4 (MANE Select); coding-DNA position 69, T replaced by C.
Protein change: p.Tyr23=; no amino-acid change (tyrosine 23 retained).
Molecular consequence: synonymous variant.
Genome position (GRCh38, 1-based): chr7:157,363,164, T>C. VCF-style: chr7-157363164-T-C. GRCh37 (hg19) VCF-style: chr7-157155858-T-C.
Other names: c.69T>C, p.Tyr23= (NM_001363676.1, NM_005494.3).
Identifiers: ClinVar variation 704403 (VCV000704403.15), dbSNP rs759652351, ClinGen allele CA4590351.